The following is an entry in ClinVar:

ClinVar aggregate classification (germline): Uncertain significance (1 of 4 stars; one submission).

Submission:

CeGaT Center for Human Genetics Tuebingen
Classification: Uncertain significance. Last evaluated: 2024-04-01. Review status: criteria provided, single submitter. Criteria: CeGaT Center For Human Genetics Tuebingen Variant Classification Criteria Version 2. Collection method: clinical testing. Allele origin: germline. Affected: yes. Observed: 1 variant allele.
Comment: PRKCA: PM2, PP2

NM_002737.3(PRKCA):c.107A>G (p.Asp36Gly)

Gene: PRKCA (protein kinase C alpha; plus strand). Cytogenetic location: 17q24.2.
Variant type: single nucleotide variant.
Coding change: c.107A>G on transcript NM_002737.3 (MANE Select); coding-DNA position 107, A replaced by G.
Protein change: p.Asp36Gly; replaces aspartic acid 36 with glycine.
Molecular consequence: missense variant.
Genome position (GRCh38, 1-based): chr17:66,302,958, A>G. VCF-style: chr17-66302958-A-G. GRCh37 (hg19) VCF-style: chr17-64299076-A-G.
Other names: short protein forms D36G.
Identifiers: ClinVar variation 3234636 (VCV003234636.20), dbSNP rs2509256093, ClinGen allele CA400679956.
Genomic context (GRCh38, chr17:66,302,958, plus strand): 5'-TGGCCAACCGCTTCGCCCGCAAAGGGGCGCTGAGGCAGAAGAACGTGCACGAGGTGAAGG[A>G]CCACAAATTCATCGCGCGCTTCTTCAAGCAGCCCACCTTCTGCAGCCACTGCACCGACTT-3'
Protein context (NP_002728.2, residues 26-46): LRQKNVHEVK[Asp36Gly]HKFIARFFKQ